The following is an entry in ClinVar:

NM_001256071.3(RNF213):c.13016A>C (p.Asp4339Ala)

Genes: RNF213 (ring finger protein 213; plus strand), RNF213-AS1 (RNF213 antisense RNA 1; minus strand). Cytogenetic location: 17q25.3.
Variant type: single nucleotide variant.
Coding change: c.13016A>C on transcript NM_001256071.3 (MANE Select); coding-DNA position 13016, A replaced by C.
Protein change: p.Asp4339Ala; replaces aspartic acid 4339 with alanine.
Molecular consequence: missense variant.
Genome position (GRCh38, 1-based): chr17:80,374,531, A>C. VCF-style: chr17-80374531-A-C. GRCh37 (hg19) VCF-style: chr17-78348331-A-C.
Other names: c.13163A>C, p.Asp4388Ala (NM_001410195.1, NM_020914.5); short protein forms D4388A, D4339A.
Identifiers: ClinVar variation 2785791 (VCV002785791.3), dbSNP rs1269590752, ClinGen allele CA401411277.

ClinVar aggregate classification (germline): Uncertain significance (1 of 4 stars; one submission).

Allele frequency attached by ClinVar (database versions not stated): gnomAD exomes below 0.00001; gnomAD 0.00001.
gnomAD v4.1: 2 of 1,614,078 alleles (0.00012%); highest among the groups gnomAD compares: Non-Finnish European, 0.00017%; no homozygotes.

Submission:

Labcorp Genetics (formerly Invitae), Labcorp
Classification: Uncertain significance. Last evaluated: 2023-07-17. Review status: criteria provided, single submitter. Criteria: Invitae Variant Classification Sherloc (09022015). Collection method: clinical testing. Allele origin: germline.
Comment: In summary, the available evidence is currently insufficient to determine the role of this variant in disease. Therefore, it has been classified as a Variant of Uncertain Significance. An algorithm developed to predict the effect of missense changes on protein structure and function (PolyPhen-2) suggests that this variant is likely to be disruptive. This variant has not been reported in the literature in individuals affected with RNF213-related conditions. This variant is present in population databases (no rsID available, gnomAD 0.007%). This sequence change replaces aspartic acid, which is acidic and polar, with alanine, which is neutral and non-polar, at codon 4339 of the RNF213 protein (p.Asp4339Ala).